The following is an entry in ClinVar:

NM_004369.4(COL6A3):c.1755G>T (p.Lys585Asn)

Gene: COL6A3 (collagen type VI alpha 3 chain; minus strand). Cytogenetic location: 2q37.3.
Variant type: single nucleotide variant.
Coding change: c.1755G>T on transcript NM_004369.4 (MANE Select); coding-DNA position 1755, G replaced by T.
Protein change: p.Lys585Asn; replaces lysine 585 with asparagine.
Molecular consequence: missense variant.
Genome position (GRCh38, 1-based): chr2:237,381,057, C>A on the plus strand (G>T on the coding strand, the complement: COL6A3 is on the minus strand). VCF-style: chr2-237381057-C-A. GRCh37 (hg19) VCF-style: chr2-238289700-C-A.
Other names: c.534G>T, p.Lys178Asn (NM_057164.5, NM_057166.5); c.1137G>T, p.Lys379Asn (NM_057165.5, NM_057167.4); short protein forms K585N, K178N, K379N.
Identifiers: ClinVar variation 3002447 (VCV003002447.3), dbSNP rs2469928416, ClinGen allele CA351217053.

ClinVar aggregate classification (germline): Uncertain significance (1 of 4 stars; one submission).

Conditions:
Bethlem myopathy 1A. Also called: MYOPATHY, BENIGN CONGENITAL, WITH CONTRACTURES; Bethlem myopathy 1; Bethlem Muscular Dystrophy. Identifiers: Orphanet 610, MedGen CN029274, MONDO:0024530, OMIM 158810.

Submission:

Labcorp Genetics (formerly Invitae), Labcorp
Classification: Uncertain significance for Bethlem myopathy 1A. Last evaluated: 2024-01-20. Review status: criteria provided, single submitter. Criteria: Invitae Variant Classification Sherloc (09022015). Collection method: clinical testing. Allele origin: germline.
Comment: This sequence change replaces lysine, which is basic and polar, with asparagine, which is neutral and polar, at codon 585 of the COL6A3 protein (p.Lys585Asn). This variant is not present in population databases (gnomAD no frequency). This variant has not been reported in the literature in individuals affected with COL6A3-related conditions. Advanced modeling of protein sequence and biophysical properties (such as structural, functional, and spatial information, amino acid conservation, physicochemical variation, residue mobility, and thermodynamic stability) performed at Invitae indicates that this missense variant is not expected to disrupt COL6A3 protein function with a negative predictive value of 95%. In summary, the available evidence is currently insufficient to determine the role of this variant in disease. Therefore, it has been classified as a Variant of Uncertain Significance.